The following is an entry in ClinVar:

ClinVar aggregate classification (germline): Likely benign. Review status: criteria provided, multiple submitters, no conflicts (2 of 4 stars). 3 submissions from 3 submitters: Likely benign (3). Last evaluated 2024-07-01.

Allele frequency attached by ClinVar (database versions not stated): gnomAD exomes 0.00001; TOPMed 0.00002.
gnomAD v4.1: 13 of 1,561,758 alleles (0.00083%); highest among the groups gnomAD compares: Middle Eastern, 0.017%; no homozygotes.

Submissions (3):

CeGaT Center for Human Genetics Tuebingen
Classification: Likely benign. Last evaluated: 2024-07-01. Review status: criteria provided, single submitter. Criteria: CeGaT Center For Human Genetics Tuebingen Variant Classification Criteria Version 2. Collection method: clinical testing. Allele origin: germline. Affected: yes. Observed: 1 variant allele.
Comment: KCNH1: BP4, BP7

Labcorp Genetics (formerly Invitae), Labcorp
Classification: Likely benign. Last evaluated: 2024-05-22. Review status: criteria provided, single submitter. Criteria: Invitae Variant Classification Sherloc (09022015). Collection method: clinical testing. Allele origin: germline.

Blueprint Genetics
Classification: Likely benign. Last evaluated: 2022-09-16. Review status: criteria provided, single submitter. Criteria: ACMG Guidelines, 2015. Collection method: clinical testing. Allele origin: germline.

NM_172362.3(KCNH1):c.2208T>C (p.Pro736=)

Gene: KCNH1 (potassium voltage-gated channel subfamily H member 1; minus strand). Cytogenetic location: 1q32.2.
Variant type: single nucleotide variant.
Coding change: c.2208T>C on transcript NM_172362.3 (MANE Select); coding-DNA position 2208, T replaced by C.
Protein change: p.Pro736=; no amino-acid change (proline 736 retained).
Molecular consequence: synonymous variant.
Genome position (GRCh38, 1-based): chr1:210,684,043, A>G on the plus strand (T>C on the coding strand, the complement: KCNH1 is on the minus strand). VCF-style: chr1-210684043-A-G. GRCh37 (hg19) VCF-style: chr1-210857385-A-G.
Other names: c.2127T>C, p.Pro709= (NM_002238.4).
Identifiers: ClinVar variation 1606852 (VCV001606852.26), dbSNP rs879189690, ClinGen allele CA37111571.